The following is an entry in ClinVar:

NM_006282.5(STK4):c.804G>C (p.Gln268His)

Gene: STK4 (serine/threonine kinase 4; plus strand). Cytogenetic location: 20q13.12.
Variant type: single nucleotide variant.
Coding change: c.804G>C on transcript NM_006282.5 (MANE Select); coding-DNA position 804, G replaced by C.
Protein change: p.Gln268His; replaces glutamine 268 with histidine.
Molecular consequence: missense variant.
Genome position (GRCh38, 1-based): chr20:44,997,279, G>C. VCF-style: chr20-44997279-G-C. GRCh37 (hg19) VCF-style: chr20-43625920-G-C.
Other names: c.804G>C, p.Gln268His (NM_001352385.2); short protein forms Q268H.
Identifiers: ClinVar variation 1025335 (VCV001025335.8), dbSNP rs778290237, ClinGen allele CA9873890.

ClinVar aggregate classification (germline): Uncertain significance (1 of 4 stars; one submission).

Conditions:
Combined immunodeficiency due to STK4 deficiency (IMD110). Also called: STK4 DEFICIENCY; MST1 DEFICIENCY; T-cell immunodeficiency, recurrent infections, and autoimmunity with or without cardiac malformations. Identifiers: Orphanet 314689, MedGen C3553943, MONDO:0013934, OMIM 614868.

Allele frequency attached by ClinVar (database versions not stated): gnomAD exomes below 0.00001 and 0.00001; TOPMed 0.00001; ExAC 0.00002; gnomAD 0.00003 and 0.00004.
gnomAD v4.1: 8 of 1,609,528 alleles (0.0005%); highest among the groups gnomAD compares: African/African-American, 0.011%; no homozygotes.

Submission:

Labcorp Genetics (formerly Invitae), Labcorp
Classification: Uncertain significance for Combined immunodeficiency due to STK4 deficiency. Last evaluated: 2024-08-23. Review status: criteria provided, single submitter. Criteria: Invitae Variant Classification Sherloc (09022015). Collection method: clinical testing. Allele origin: germline.
Comment: This sequence change replaces glutamine, which is neutral and polar, with histidine, which is basic and polar, at codon 268 of the STK4 protein (p.Gln268His). This variant is present in population databases (rs778290237, gnomAD 0.02%). This variant has not been reported in the literature in individuals affected with STK4-related conditions. ClinVar contains an entry for this variant (Variation ID: 1025335). Invitae Evidence Modeling of protein sequence and biophysical properties (such as structural, functional, and spatial information, amino acid conservation, physicochemical variation, residue mobility, and thermodynamic stability) indicates that this missense variant is not expected to disrupt STK4 protein function with a negative predictive value of 95%. In summary, the available evidence is currently insufficient to determine the role of this variant in disease. Therefore, it has been classified as a Variant of Uncertain Significance.